The following is an entry in ClinVar:

ClinVar aggregate classification (germline): Uncertain significance. Review status: criteria provided, multiple submitters, no conflicts (2 of 4 stars). 2 submissions from 2 submitters: Uncertain significance (2). Last evaluated 2024-03-06.

Conditions:
Familial thoracic aortic aneurysm and aortic dissection (TAAD). Also called: Thoracic aortic aneurysms and dissections. Identifiers: Orphanet 91387, MedGen C4707243, MONDO:0019625.
Marfan syndrome (MFS). Also called: FBN1-Related Marfan Syndrome; Marfan's syndrome; MARFAN SYNDROME, TYPE I; Marfan syndrome type 1; Marfan syndrome, classic. Identifiers: Orphanet 284963, Orphanet 558, MedGen C0024796, MONDO:0007947, OMIM 154700.

Submissions (2):

Color Diagnostics, LLC DBA Color Health
Classification: Uncertain significance for Familial thoracic aortic aneurysm and aortic dissection. Last evaluated: 2024-03-06. Review status: criteria provided, single submitter. Criteria: ACMG Guidelines, 2015. Collection method: clinical testing. Allele origin: germline.
Comment: This missense variant replaces methionine with valine at codon 1275 of the FBN1 protein. Computational prediction suggests that this variant may not impact protein structure and function. To our knowledge, functional studies have not been reported for this variant. This variant has not been reported in individuals affected with cardiovascular disorders in the literature. This variant has not been identified in the general population by the Genome Aggregation Database (gnomAD). The available evidence is insufficient to determine the role of this variant in disease conclusively. Therefore, this variant is classified as a Variant of Uncertain Significance.

Labcorp Genetics (formerly Invitae), Labcorp
Classification: Uncertain significance for Marfan syndrome; Familial thoracic aortic aneurysm and aortic dissection. Last evaluated: 2021-08-26. Review status: criteria provided, single submitter. Criteria: Invitae Variant Classification Sherloc (09022015). Collection method: clinical testing. Allele origin: germline.
Comment: This sequence change replaces methionine with valine at codon 1275 of the FBN1 protein (p.Met1275Val). The methionine residue is highly conserved and there is a small physicochemical difference between methionine and valine. This variant is not present in population databases (ExAC no frequency). This variant has not been reported in the literature in individuals affected with FBN1-related conditions. Algorithms developed to predict the effect of missense changes on protein structure and function are either unavailable or do not agree on the potential impact of this missense change (SIFT: "Deleterious"; PolyPhen-2: "Possibly Damaging"; Align-GVGD: "Class C0"). In summary, the available evidence is currently insufficient to determine the role of this variant in disease. Therefore, it has been classified as a Variant of Uncertain Significance.

NM_000138.5(FBN1):c.3823A>G (p.Met1275Val)

Gene: FBN1 (fibrillin 1; minus strand). Cytogenetic location: 15q21.1.
Variant type: single nucleotide variant.
Coding change: c.3823A>G on transcript NM_000138.5 (MANE Select); coding-DNA position 3823, A replaced by G.
Protein change: p.Met1275Val; replaces methionine 1275 with valine.
Molecular consequence: missense variant.
Genome position (GRCh38, 1-based): chr15:48,483,833, T>C on the plus strand (A>G on the coding strand, the complement: FBN1 is on the minus strand). VCF-style: chr15-48483833-T-C. GRCh37 (hg19) VCF-style: chr15-48776030-T-C.
Other names: short protein forms M1275V.
Identifiers: ClinVar variation 848945 (VCV000848945.10), dbSNP rs747414686, ClinGen allele CA392323622.